The following is an entry in ClinVar:

ClinVar aggregate classification (germline): Conflicting classifications of pathogenicity. Review status: criteria provided, conflicting classifications (1 of 4 stars). 6 submissions from 5 submitters: Uncertain significance (3); Likely benign (3). Last evaluated 2025-12-01.

Conditions:
Amyotrophic lateral sclerosis type 2, juvenile. Also called: ALS, JUVENILE; Amyotrophic lateral sclerosis type 2. Identifiers: Orphanet 300605, MedGen C1859807, MONDO:0008780, OMIM 205100.
ALS2-related disorder. Also called: ALS2-related disorders; ALS2-related condition; ALS2-Related Spectrum Disorders. Identifiers: MedGen CN169291.
Hereditary spastic paraplegia. Also called: Familial spastic paraparesis. Identifiers: Orphanet 685, MedGen C0037773, MONDO:0019064. Disease mechanism: loss of function.
Infantile-onset ascending hereditary spastic paralysis (IAHSP). Also called: Infantile-Onset Ascending Hereditary Spastic Paralysis (IAHSP); Autosomal Recessive Juvenile Amyotrophic Lateral Sclerosis. Identifiers: Orphanet 293168, MedGen C2931441, MONDO:0011797, OMIM 607225. Disease mechanism: loss of function.

Allele frequency attached by ClinVar (database versions not stated): gnomAD exomes 0.00004; TOPMed 0.00006; gnomAD 0.00008; ExAC 0.00003.
gnomAD v4.1: 107 of 1,614,104 alleles (0.0066%); highest among the groups gnomAD compares: Middle Eastern, 0.033%; no homozygotes.

Submissions (6):

Labcorp Genetics (formerly Invitae), Labcorp
Classification: Likely benign for Infantile-onset ascending hereditary spastic paralysis. Last evaluated: 2025-12-01. Review status: criteria provided, single submitter. Criteria: Invitae Variant Classification Sherloc (09022015). Collection method: clinical testing. Allele origin: germline.

PreventionGenetics, part of Exact Sciences
Classification: Likely benign for ALS2-related condition. Last evaluated: 2025-09-24. Review status: criteria provided, single submitter. Criteria: ACMG Guidelines, 2015. Collection method: clinical testing. Allele origin: germline.
Comment: This variant is classified as likely benign based on ACMG/AMP sequence variant interpretation guidelines (Richards et al. 2015 PMID: 25741868, with internal and published modifications).

Blueprint Genetics
Classification: Likely benign. Last evaluated: 2024-11-07. Review status: criteria provided, single submitter. Criteria: ACMG Guidelines, 2015. Collection method: clinical testing. Allele origin: germline.

Illumina Laboratory Services, Illumina
Classification: Uncertain significance for Amyotrophic lateral sclerosis type 2. Last evaluated: 2018-01-13. Review status: criteria provided, single submitter. Criteria: ICSL Variant Classification Criteria 13 December 2019. Collection method: clinical testing. Allele origin: germline.

Illumina Laboratory Services, Illumina
Classification: Uncertain significance for ALS2-Related Disorders. Last evaluated: 2018-01-13. Review status: criteria provided, single submitter. Criteria: ICSL Variant Classification Criteria 13 December 2019. Collection method: clinical testing. Allele origin: germline.

Genome Diagnostics Laboratory, The Hospital for Sick Children
Classification: Uncertain significance for Hereditary spastic paraplegia. Last evaluated: 2017-12-01. Review status: criteria provided, single submitter. Criteria: ACMG Guidelines, 2015. Collection method: clinical testing. Allele origin: germline. Affected: yes.

NM_020919.4(ALS2):c.366G>A (p.Gln122=)

Gene: ALS2 (alsin Rho guanine nucleotide exchange factor ALS2; minus strand). Cytogenetic location: 2q33.1.
Variant type: single nucleotide variant.
Coding change: c.366G>A on transcript NM_020919.4 (MANE Select); coding-DNA position 366, G replaced by A.
Protein change: p.Gln122=; no amino-acid change (glutamine 122 retained).
Molecular consequence: synonymous variant.
Genome position (GRCh38, 1-based): chr2:201,761,628, C>T on the plus strand (G>A on the coding strand, the complement: ALS2 is on the minus strand). VCF-style: chr2-201761628-C-T. GRCh37 (hg19) VCF-style: chr2-202626351-C-T.
Other names: c.366G>A, p.Gln122= (NM_001135745.2).
Identifiers: ClinVar variation 698712 (VCV000698712.19), dbSNP rs775483404, ClinGen allele CA2058661.